The following is an entry in ClinVar:

ClinVar aggregate classification (germline): Uncertain significance (1 of 4 stars; one submission).

Allele frequency attached by ClinVar (database versions not stated): gnomAD exomes below 0.00001; TOPMed 0.00001; gnomAD 0.00002.

Submission:

Labcorp Genetics (formerly Invitae), Labcorp
Classification: Uncertain significance. Last evaluated: 2022-10-16. Review status: criteria provided, single submitter. Criteria: Invitae Variant Classification Sherloc (09022015). Collection method: clinical testing. Allele origin: germline.
Comment: This sequence change replaces threonine, which is neutral and polar, with methionine, which is neutral and non-polar, at codon 371 of the VARS2 protein (p.Thr371Met). This variant is present in population databases (no rsID available, gnomAD 0.006%). This variant has not been reported in the literature in individuals affected with VARS2-related conditions. Advanced modeling of protein sequence and biophysical properties (such as structural, functional, and spatial information, amino acid conservation, physicochemical variation, residue mobility, and thermodynamic stability) performed at Invitae indicates that this missense variant is expected to disrupt VARS2 protein function. In summary, the available evidence is currently insufficient to determine the role of this variant in disease. Therefore, it has been classified as a Variant of Uncertain Significance.

NM_020442.6(VARS2):c.1022C>T (p.Thr341Met)

Gene: VARS2 (valyl-tRNA synthetase 2, mitochondrial; plus strand). Cytogenetic location: 6p21.33.
Variant type: single nucleotide variant.
Coding change: c.1022C>T on transcript NM_020442.6 (MANE Select); coding-DNA position 1022, C replaced by T.
Protein change: p.Thr341Met; replaces threonine 341 with methionine.
Molecular consequence: missense variant.
Genome position (GRCh38, 1-based): chr6:30,918,863, C>T. VCF-style: chr6-30918863-C-T. GRCh37 (hg19) VCF-style: chr6-30886640-C-T.
Other names: c.602C>T, p.Thr201Met (NM_001167733.3); c.1112C>T, p.Thr371Met (NM_001167734.2); short protein forms T201M, T341M, T371M.
Identifiers: ClinVar variation 2057682 (VCV002057682.1), dbSNP rs1445298752, ClinGen allele CA363170410.